The following is an entry in ClinVar:

ClinVar aggregate classification (germline): Uncertain significance (1 of 4 stars; one submission).

Submission:

Labcorp Genetics (formerly Invitae), Labcorp
Classification: Uncertain significance. Last evaluated: 2025-04-26. Review status: criteria provided, single submitter. Criteria: Invitae Variant Classification Sherloc (09022015). Collection method: clinical testing. Allele origin: germline.
Comment: This sequence change replaces proline, which is neutral and non-polar, with serine, which is neutral and polar, at codon 42 of the FOXP1 protein (p.Pro42Ser). This variant is not present in population databases (gnomAD no frequency). This variant has not been reported in the literature in individuals affected with FOXP1-related conditions. Invitae Evidence Modeling of protein sequence and biophysical properties (such as structural, functional, and spatial information, amino acid conservation, physicochemical variation, residue mobility, and thermodynamic stability) has been performed for this missense variant. However, the output from this modeling did not meet the statistical confidence thresholds required to predict the impact of this variant on FOXP1 protein function. In summary, the available evidence is currently insufficient to determine the role of this variant in disease. Therefore, it has been classified as a Variant of Uncertain Significance.

NM_001349338.3(FOXP1):c.124C>T (p.Pro42Ser)

Gene: FOXP1 (forkhead box P1; minus strand). Cytogenetic location: 3p13.
Variant type: single nucleotide variant.
Coding change: c.124C>T on transcript NM_001349338.3 (MANE Select); coding-DNA position 124, C replaced by T.
Protein change: p.Pro42Ser; replaces proline 42 with serine.
Molecular consequence: missense variant. On other transcripts: non-coding transcript variant (2).
Genome position (GRCh38, 1-based): chr3:71,198,258, G>A on the plus strand (C>T on the coding strand, the complement: FOXP1 is on the minus strand). VCF-style: chr3-71198258-G-A. GRCh37 (hg19) VCF-style: chr3-71247409-G-A.
Other names: c.124C>T, p.Pro42Ser (NM_001012505.2, NM_001244808.3, NM_001244810.2 and 6 more transcripts); short protein forms P42S.
Identifiers: ClinVar variation 4774651 (VCV004774651.1).